The following is an entry in ClinVar:

ClinVar aggregate classification (germline): Likely benign (1 of 4 stars; one submission).

Allele frequency attached by ClinVar (database versions not stated): 1000 Genomes Project 30x 0.00109; 1000 Genomes Project 0.00120; ExAC 0.00168; gnomAD 0.00171; TOPMed 0.00181; gnomAD exomes 0.00209; ESP Exome Variant Server 0.00223.
gnomAD v4.1: 3,294 of 1,597,536 alleles (0.21%); highest among the groups gnomAD compares: Non-Finnish European, 0.24%; 6 homozygotes.

Submission:

CeGaT Center for Human Genetics Tuebingen
Classification: Likely benign. Last evaluated: 2023-10-01. Review status: criteria provided, single submitter. Criteria: CeGaT Center For Human Genetics Tuebingen Variant Classification Criteria Version 2. Collection method: clinical testing. Allele origin: germline. Affected: yes. Observed: 1 variant allele.
Comment: WNT7B: BP4, BP7

NM_058238.3(WNT7B):c.360C>T (p.Thr120=)

Gene: WNT7B (Wnt family member 7B; minus strand). Cytogenetic location: 22q13.31.
Variant type: single nucleotide variant.
Coding change: c.360C>T on transcript NM_058238.3 (MANE Select); coding-DNA position 360, C replaced by T.
Protein change: p.Thr120=; no amino-acid change (threonine 120 retained).
Molecular consequence: synonymous variant.
Genome position (GRCh38, 1-based): chr22:45,931,308, G>A on the plus strand (C>T on the coding strand, the complement: WNT7B is on the minus strand). VCF-style: chr22-45931308-G-A. GRCh37 (hg19) VCF-style: chr22-46327188-G-A.
Other names: c.372C>T, p.Thr124= (NM_001410806.1).
Identifiers: ClinVar variation 2653295 (VCV002653295.24), dbSNP rs146315543, ClinGen allele CA10288254.